The following is an entry in ClinVar:

NM_024301.5(FKRP):c.620T>C (p.Leu207Pro)

Gene: FKRP (fukutin related protein; plus strand). Cytogenetic location: 19q13.32.
Variant type: single nucleotide variant.
Coding change: c.620T>C on transcript NM_024301.5 (MANE Select); coding-DNA position 620, T replaced by C.
Protein change: p.Leu207Pro; replaces leucine 207 with proline.
Molecular consequence: missense variant.
Genome position (GRCh38, 1-based): chr19:46,756,070, T>C. VCF-style: chr19-46756070-T-C. GRCh37 (hg19) VCF-style: chr19-47259327-T-C.
Other names: c.620T>C, p.Leu207Pro (NM_001039885.3); short protein forms L207P.
Identifiers: ClinVar variation 3907340 (VCV003907340.1).
Genomic context (GRCh38, chr19:46,756,070, plus strand): 5'-CCGCGCCCCGCTGCGACGCCCTGGACGGAGATGCTGTGGTGCTCCTGCGCGCCCGCGACC[T>C]CTTCAACCTCTCGGCGCCCCTGGCCCGGCCGGTGGGCACCAGCCTCTTTCTGCAGACCGC-3'
Protein context (NP_077277.1, residues 197-217): DAVVLLRARD[Leu207Pro]FNLSAPLARP

ClinVar aggregate classification (germline): Uncertain significance (1 of 4 stars; one submission).

Submission:

Women's Health and Genetics/Laboratory Corporation of America, LabCorp
Classification: Uncertain significance. Last evaluated: 2025-06-05. Review status: criteria provided, single submitter. Criteria: LabCorp Variant Classification Summary - May 2015. Collection method: clinical testing. Allele origin: germline.
Comment: Variant summary: FKRP c.620T>C (p.Leu207Pro) results in a non-conservative amino acid change in the encoded protein sequence. Algorithms developed to predict the effect of missense changes on protein structure and function all suggest that this variant is likely to be disruptive. The variant was absent in 185614 control chromosomes. The available data on variant occurrences in the general population are insufficient to allow any conclusion about variant significance. c.620T>C has been observed in at least one individual affected with Limb-Girdle Muscular Dystrophy, Autosomal Recessive (e.g., Xie_2024, Zhong_2019). These data do not allow any conclusion about variant significance. To our knowledge, no experimental evidence demonstrating an impact on protein function has been reported. The following publications have been ascertained in the context of this evaluation (PMID: 39198981, 30816495). No submitters have cited clinical-significance assessments for this variant to ClinVar. Based on the evidence outlined above, the variant was classified as uncertain significance.

Literature cited by the submitters: PubMed 30816495; PubMed 39198981.